The following is an entry in ClinVar:

NM_024580.6(EFL1):c.4G>A (p.Val2Met)

Gene: EFL1 (elongation factor like GTPase 1; minus strand). Cytogenetic location: 15q25.2.
Variant type: single nucleotide variant.
Coding change: c.4G>A on transcript NM_024580.6 (MANE Select); coding-DNA position 4, G replaced by A.
Protein change: p.Val2Met; replaces valine 2 with methionine.
Molecular consequence: missense variant. On other transcripts: 5 prime UTR variant (1), non-coding transcript variant (1).
Genome position (GRCh38, 1-based): chr15:82,261,775, C>T on the plus strand (G>A on the coding strand, the complement: EFL1 is on the minus strand). VCF-style: chr15-82261775-C-T. GRCh37 (hg19) VCF-style: chr15-82554116-C-T.
Other names: c.4G>A, p.Val2Met (NM_001040610.3, NM_001322845.2); c.-701G>A (NM_001322844.2); short protein forms V2M.
Identifiers: ClinVar variation 1929539 (VCV001929539.3), dbSNP rs745845223, ClinGen allele CA7698417.

ClinVar aggregate classification (germline): Uncertain significance (1 of 4 stars; one submission).

Allele frequency attached by ClinVar (database versions not stated): TOPMed below 0.00001; gnomAD 0.00001; gnomAD exomes 0.00001; ExAC 0.00002.
gnomAD v4.1: 21 of 1,613,212 alleles (0.0013%); highest among the groups gnomAD compares: Non-Finnish European, 0.00059%; no homozygotes.

Submission:

Labcorp Genetics (formerly Invitae), Labcorp
Classification: Uncertain significance. Last evaluated: 2021-12-30. Review status: criteria provided, single submitter. Criteria: Invitae Variant Classification Sherloc (09022015). Collection method: clinical testing. Allele origin: germline.
Comment: Algorithms developed to predict the effect of missense changes on protein structure and function are either unavailable or do not agree on the potential impact of this missense change (SIFT: "Tolerated"; PolyPhen-2: "Possibly Damaging"; Align-GVGD: "Class C0"). This variant has not been reported in the literature in individuals affected with EFL1-related conditions. This variant is present in population databases (rs745845223, gnomAD 0.02%). This sequence change replaces valine, which is neutral and non-polar, with methionine, which is neutral and non-polar, at codon 2 of the EFL1 protein (p.Val2Met). In summary, the available evidence is currently insufficient to determine the role of this variant in disease. Therefore, it has been classified as a Variant of Uncertain Significance.